The following is an entry in ClinVar:

ClinVar aggregate classification (germline): Uncertain significance (1 of 4 stars; one submission).

Conditions:
CHD7-related CHARGE syndrome. Identifiers: MedGen CN380413, MONDO:1010178, OMIM 214800.

Submission:

Prenatal Diagnosis Unit, University Medical Center at Ho Chi Minh City, University of Medicine and Pharmacy at Ho Chi Minh City
Classification: Uncertain significance for CHD7-related CHARGE syndrome. Last evaluated: 2026-01-11. Review status: criteria provided, single submitter. Criteria: ACMG Guidelines, 2015. Collection method: provider interpretation. Allele origin: maternal. Inheritance: Autosomal dominant inheritance. Affected: no. Observed: 2 variant alleles.
Comment: This variant is absent from population databases (ExAC). In silico algorithsm (SpliceAI, Pangolin, dbscSNC) predicts a potential reduction of the canonical splice acceptor site. In conclusion, this variant is classified as a variant of uncertain significance according to the ACMG/AMP 2015 guidelines, based on the PM2, PP2, PP3, BS2 criteria.

NM_017780.4(CHD7):c.4645-3T>G

Gene: CHD7 (chromodomain helicase DNA binding protein 7; plus strand).
Variant type: single nucleotide variant.
Coding change: c.4645-3T>G on transcript NM_017780.4 (MANE Select); 3 bases into the intron before coding-DNA position 4645, T replaced by G.
Molecular consequence: intron variant.
Other names: c.1717-20385T>G (NM_001316690.1).
Identifiers: ClinVar variation 4686723 (VCV004686723.1).